The following is an entry in ClinVar:

ClinVar aggregate classification (germline): Conflicting classifications of pathogenicity. Review status: criteria provided, conflicting classifications (1 of 4 stars). 2 submissions from 2 submitters: Uncertain significance (1); Likely benign (1). Last evaluated 2022-10-17.

Conditions:
Charcot-Marie-Tooth disease axonal type 2O. Also called: CHARCOT-MARIE-TOOTH NEUROPATHY, AXONAL, TYPE 2O; CHARCOT-MARIE-TOOTH DISEASE, AXONAL, AUTOSOMAL DOMINANT, TYPE 2O; Charcot-Marie-Tooth Neuropathy Type 2O; Charcot-Marie-Tooth disease, axonal, type 20. Identifiers: Orphanet 284232, MedGen C3280220, MONDO:0013644, OMIM 614228.

Allele frequency attached by ClinVar (database versions not stated): gnomAD exomes below 0.00001.
gnomAD v4.1: 2 of 1,614,196 alleles (0.00012%); highest among the groups gnomAD compares: Non-Finnish European, 0.00017%; no homozygotes.

Submissions (2):

Labcorp Genetics (formerly Invitae), Labcorp
Classification: Likely benign for Charcot-Marie-Tooth disease axonal type 2O. Last evaluated: 2022-10-17. Review status: criteria provided, single submitter. Criteria: Invitae Variant Classification Sherloc (09022015). Collection method: clinical testing. Allele origin: germline.

GeneDx
Classification: Uncertain significance. Last evaluated: 2021-08-03. Review status: criteria provided, single submitter. Criteria: GeneDx Variant Classification Process June 2021. Collection method: clinical testing. Allele origin: germline. Affected: yes.
Comment: Not observed in large population cohorts (Lek et al., 2016); In silico analysis supports that this missense variant does not alter protein structure/function; Has not been previously published as pathogenic or benign to our knowledge

NM_001376.5(DYNC1H1):c.2867A>G (p.Lys956Arg)

Gene: DYNC1H1 (dynein cytoplasmic 1 heavy chain 1; plus strand). Cytogenetic location: 14q32.31.
Variant type: single nucleotide variant.
Coding change: c.2867A>G on transcript NM_001376.5 (MANE Select); coding-DNA position 2867, A replaced by G.
Protein change: p.Lys956Arg; replaces lysine 956 with arginine.
Molecular consequence: missense variant.
Genome position (GRCh38, 1-based): chr14:101,988,851, A>G. VCF-style: chr14-101988851-A-G. GRCh37 (hg19) VCF-style: chr14-102455188-A-G.
Other names: short protein forms K956R.
Identifiers: ClinVar variation 1314067 (VCV001314067.6), dbSNP rs2141276715, ClinGen allele CA391029140.